The following is an entry in ClinVar:

ClinVar aggregate classification (germline): Uncertain significance (1 of 4 stars; one submission).

Submission:

Labcorp Genetics (formerly Invitae), Labcorp
Classification: Uncertain significance. Last evaluated: 2024-10-09. Review status: criteria provided, single submitter. Criteria: Invitae Variant Classification Sherloc (09022015). Collection method: clinical testing. Allele origin: germline.
Comment: This sequence change replaces serine, which is neutral and polar, with phenylalanine, which is neutral and non-polar, at codon 118 of the ATP6AP1 protein (p.Ser118Phe). This variant is not present in population databases (gnomAD no frequency). This variant has not been reported in the literature in individuals affected with ATP6AP1-related conditions. Invitae Evidence Modeling of protein sequence and biophysical properties (such as structural, functional, and spatial information, amino acid conservation, physicochemical variation, residue mobility, and thermodynamic stability) indicates that this missense variant is not expected to disrupt ATP6AP1 protein function with a negative predictive value of 80%. In summary, the available evidence is currently insufficient to determine the role of this variant in disease. Therefore, it has been classified as a Variant of Uncertain Significance.

NM_001183.6(ATP6AP1):c.353C>T (p.Ser118Phe)

Gene: ATP6AP1 (ATPase H+ transporting accessory protein 1; plus strand). Cytogenetic location: Xq28.
Variant type: single nucleotide variant.
Coding change: c.353C>T on transcript NM_001183.6 (MANE Select); coding-DNA position 353, C replaced by T.
Protein change: p.Ser118Phe; replaces serine 118 with phenylalanine.
Molecular consequence: missense variant.
Genome position (GRCh38, 1-based): chrX:154,431,894, C>T. VCF-style: chrX-154431894-C-T. GRCh37 (hg19) VCF-style: chrX-153660240-C-T.
Other names: short protein forms S118F.
Identifiers: ClinVar variation 3667122 (VCV003667122.2).